The following continues an entry in ClinVar:

NM_000059.4(BRCA2):c.5414A>G (p.Asn1805Ser)

Gene: BRCA2. ClinVar aggregate classification (germline): Conflicting classifications of pathogenicity. Uncertain significance (9); Benign (4); Likely benign (8).

Submissions 17 to 25 of 25:

Baylor Genetics
Classification: Uncertain significance for Breast-ovarian cancer, familial, susceptibility to, 2. Last evaluated: 2021-06-04. Review status: criteria provided, single submitter. Criteria: ACMG Guidelines, 2015. Collection method: clinical testing. Allele origin: unknown. Affected: yes. Study: CSER-TexasKidsCanSeq.
Comment: This variant was determined to be of uncertain significance according to ACMG Guidelines, 2015 [PMID:25741868].

Mendelics
Classification: Uncertain significance for Breast-ovarian cancer, familial, susceptibility to, 2. Last evaluated: 2019-05-28. Review status: criteria provided, single submitter. Criteria: Mendelics Assertion Criteria 2017. Collection method: clinical testing. Allele origin: unknown.

ARUP Laboratories, Molecular Genetics and Genomics, ARUP Laboratories
Classification: Uncertain significance. Last evaluated: 2017-09-14. Review status: criteria provided, single submitter. Criteria: ARUP Molecular Germline Variant Investigation Process. Collection method: clinical testing. Allele origin: germline.

Illumina Laboratory Services, Illumina
Classification: Uncertain significance for Breast-ovarian cancer, familial, susceptibility to, 2. Last evaluated: 2017-04-27. Review status: criteria provided, single submitter. Criteria: ICSL Variant Classification Criteria 13 December 2019. Collection method: clinical testing. Allele origin: germline.
Comment: This variant was observed as part of a predisposition screen in an ostensibly healthy population. A literature search was performed for the gene, cDNA change, and amino acid change (where applicable). Publications were found based on this search. However, the evidence from the literature, in combination with allele frequency data from public databases where available, was not sufficient to rule this variant in or out of causing disease. Therefore, this variant is classified as a variant of unknown significance.

Illumina Laboratory Services, Illumina
Classification: Uncertain significance for Fanconi anemia complementation group D1. Last evaluated: 2017-04-27. Review status: criteria provided, single submitter. Criteria: ICSL Variant Classification Criteria 13 December 2019. Collection method: clinical testing. Allele origin: germline.

BRCAlab, Lund University
Classification: Uncertain significance for Breast-ovarian cancer, familial, susceptibility to, 2. Last evaluated: 2020-03-02. Review status: no assertion criteria provided. Collection method: clinical testing. Allele origin: germline. Affected: yes. Not counted in ClinVar's aggregate classification.

Counsyl
Classification: Uncertain significance for Breast-ovarian cancer, familial, susceptibility to, 2. Last evaluated: 2017-02-14. Review status: no assertion criteria provided. Collection method: clinical testing. Allele origin: unknown. Not counted in ClinVar's aggregate classification.

Breast Cancer Information Core (BIC) (BRCA2)
Classification: Uncertain significance for Breast-ovarian cancer, familial 2. Last evaluated: 2004-02-20. Review status: no assertion criteria provided. Collection method: clinical testing. Allele origin: germline. Affected: yes. Observed: 3 variant alleles. Not counted in ClinVar's aggregate classification.

Department of Pathology and Laboratory Medicine, Sinai Health System
Classification: Uncertain significance for Malignant tumor of breast. Review status: no assertion criteria provided. Collection method: clinical testing. Allele origin: unknown. Affected: yes. Study: The Canadian Open Genetics Repository (COGR). Not counted in ClinVar's aggregate classification.
Comment: The BRCA2 p.Asn1805Ser variant was identified in 3 of 1982 proband chromosomes (frequency: 0.002) from individuals or families with hereditary breast and ovarian cancer syndrome and was present in 1 of 190 control chromosomes (frequency: 0.005) from healthy individuals (Pal 2015, Soegaard 2008, Wagner 1999, Encinas 2018). The variant was also identified in dbSNP (ID: rs80358765) as "with uncertain significance allele", ClinVar (classified as uncertain significance by Ambry Genetics, GeneDx and six other submitters; and as likely benign by Invitae and Color), and the LOVD 3.0 database. The variant was not identified in UMD-LSDB database. It was also identified in control databases in 18 of 276966 chromosomes at a frequency of 0.00007 (Genome Aggregation Database Feb 27, 2017). The variant was observed in the following populations: African in 9 of 24018 chromosomes (freq: 0.0004), Other in 1 of 6456 chromosomes (freq: 0.0002), European in 2 of 126516 chromosomes (freq: 0.00002), and South Asian in 6 of 30774 chromosomes (freq: 0.0002), while the variant was not observed in the Latino, Ashkenazi Jewish, East Asian or Finnish populations. The p.Asn1805Ser residue is not conserved in mammals and four out of five computational analyses (PolyPhen-2, SIFT, AlignGVGD, BLOSUM, MutationTaster) do not suggest a high likelihood of impact to the protein; however, this information is not predictive enough to rule out pathogenicity. The variant occurs outside of the splicing consensus sequence and three out of four in silico or computational prediction software programs (SpliceSiteFinder, MaxEntScan, NNSPLICE, GeneSplicer, Human Splicing Finder) predict a greater than 10% difference in splicing. In summary, based on the above information, the clinical significance of this variant cannot be determined with certainty at this time. This variant is classified as a variant of uncertain significance.

Literature cited by the submitters: PubMed 10453741 (cited by Women's Health and Genetics/Laboratory Corporation of America, LabCorp); PubMed 11929857 (cited by 4 submitters); PubMed 18559594 (cited by 4 submitters); PubMed 26287763 (cited by 5 submitters); PubMed 29854292 (cited by 4 submitters); PubMed 33643918 (cited by 3 submitters); PubMed 33868589 (cited by Women's Health and Genetics/Laboratory Corporation of America, LabCorp); PubMed 33471991 (cited by Quest Diagnostics Nichols Institute San Juan Capistrano and Sema4); PubMed 34503154 (cited by Quest Diagnostics Nichols Institute San Juan Capistrano and Sema4); PubMed 9971877 (cited by 3 submitters); DOI 10.3389/fgene.2022.834265 (cited by National Health Laboratory Service, Universitas Academic Hospital and University of the Free State).